The following is an entry in ClinVar:

ClinVar aggregate classification (germline): Pathogenic (1 of 4 stars; one submission).

Submission:

CeGaT Center for Human Genetics Tuebingen
Classification: Pathogenic. Last evaluated: 2024-09-01. Review status: criteria provided, single submitter. Criteria: CeGaT Center For Human Genetics Tuebingen Variant Classification Criteria Version 2. Collection method: clinical testing. Allele origin: germline. Affected: yes. Observed: 1 variant allele.
Comment: HPS5: PVS1, PM2

NM_181507.2(HPS5):c.1717del (p.Arg573fs)

Gene: HPS5 (HPS5 biogenesis of lysosomal organelles complex 2 subunit 2; minus strand). Cytogenetic location: 11p15.1.
Variant type: Deletion.
Coding change: c.1717del on transcript NM_181507.2 (MANE Select); coding-DNA position 1717, one base deleted (A; older notation c.1717delA).
Protein change: p.Arg573fs; shifts the reading frame from arginine 573.
Molecular consequence: frameshift variant.
Genome position (GRCh38, 1-based): chr11:18,295,087, T deleted on the plus strand (A on the coding strand, the reverse complement: HPS5 is on the minus strand). VCF-style (leftmost placement, unchanged base first): chr11-18295086-CT-C. GRCh37 (hg19) VCF-style: chr11-18316633-CT-C.
Other names: c.1375delA, p.Arg459Glyfs (NM_181508.2); c.1375del, p.Arg459fs (NM_007216.4); short protein forms R459fs, R573fs.
Identifiers: ClinVar variation 3388984 (VCV003388984.14).
Genomic context (GRCh38, chr11:18,295,086, plus strand): 5'-TCTTCCTCCTTTGGGCAGGTATCTGAACTCACATCCTCTTCACATGATTGCTCATCACCC[CT>C]GAGCTCTGGTCTCACTTTCAGATCAGGGCTCGTGTGAAGGGTGCCAATCTTCTCAGTAGT-3'